The following is an entry in ClinVar:

ClinVar aggregate classification (germline): Uncertain significance. Review status: criteria provided, multiple submitters, no conflicts (2 of 4 stars). 4 submissions from 4 submitters: Uncertain significance (4). Last evaluated 2025-01-29.

Conditions:
Mitochondrial trifunctional protein deficiency 2 (MTPD2). Identifiers: MedGen C5830374, MONDO:0958185, OMIM 620300.
Inborn genetic diseases. Identifiers: MedGen C0950123, MeSH D030342.
Mitochondrial trifunctional protein deficiency. Identifiers: Orphanet 746, MedGen C1969443, MONDO:0012172.

Allele frequency attached by ClinVar (database versions not stated): TOPMed below 0.00001; gnomAD exomes 0.00001; ExAC 0.00003; gnomAD 0.00007.

Submissions (4):

Labcorp Genetics (formerly Invitae), Labcorp
Classification: Uncertain significance for Mitochondrial trifunctional protein deficiency. Last evaluated: 2025-01-29. Review status: criteria provided, single submitter. Criteria: Invitae Variant Classification Sherloc (09022015). Collection method: clinical testing. Allele origin: germline.
Comment: This sequence change replaces arginine, which is basic and polar, with glutamine, which is neutral and polar, at codon 195 of the HADHB protein (p.Arg195Gln). This variant is present in population databases (rs764507324, gnomAD 0.006%). This variant has not been reported in the literature in individuals affected with HADHB-related conditions. ClinVar contains an entry for this variant (Variation ID: 468767). An algorithm developed to predict the effect of missense changes on protein structure and function (PolyPhen-2) suggests that this variant is likely to be disruptive. In summary, the available evidence is currently insufficient to determine the role of this variant in disease. Therefore, it has been classified as a Variant of Uncertain Significance.

Blueprint Genetics
Classification: Uncertain significance. Last evaluated: 2024-10-09. Review status: criteria provided, single submitter. Criteria: ACMG Guidelines, 2015. Collection method: clinical testing. Allele origin: germline.

Revvity Omics, Revvity
Classification: Uncertain significance for Mitochondrial trifunctional protein deficiency 2. Last evaluated: 2022-01-17. Review status: criteria provided, single submitter. Criteria: ACMG Guidelines, 2015. Collection method: clinical testing. Allele origin: germline.

Ambry Genetics
Classification: Uncertain significance for Inborn genetic diseases. Last evaluated: 2021-11-29. Review status: criteria provided, single submitter. Criteria: Ambry Variant Classification Scheme 2023. Collection method: clinical testing. Allele origin: germline.

NM_000183.3(HADHB):c.584G>A (p.Arg195Gln)

Gene: HADHB (hydroxyacyl-CoA dehydrogenase trifunctional multienzyme complex subunit beta; plus strand). Cytogenetic location: 2p23.3.
Variant type: single nucleotide variant.
Coding change: c.584G>A on transcript NM_000183.3 (MANE Select); coding-DNA position 584, G replaced by A.
Protein change: p.Arg195Gln; replaces arginine 195 with glutamine.
Molecular consequence: missense variant.
Genome position (GRCh38, 1-based): chr2:26,278,755, G>A. VCF-style: chr2-26278755-G-A. GRCh37 (hg19) VCF-style: chr2-26501623-G-A.
Other names: c.539G>A, p.Arg180Gln (NM_001281512.2); c.518G>A, p.Arg173Gln (NM_001281513.2); short protein forms R195Q, R180Q, R173Q.
Identifiers: ClinVar variation 468767 (VCV000468767.11), dbSNP rs764507324, ClinGen allele CA1560271.